The following is an entry in ClinVar:

NM_000020.3(ACVRL1):c.660G>C (p.Leu220Phe)

Gene: ACVRL1 (activin A receptor like type 1; plus strand). Cytogenetic location: 12q13.13.
Variant type: single nucleotide variant.
Coding change: c.660G>C on transcript NM_000020.3 (MANE Select); coding-DNA position 660, G replaced by C.
Protein change: p.Leu220Phe; replaces leucine 220 with phenylalanine.
Molecular consequence: missense variant.
Genome position (GRCh38, 1-based): chr12:51,914,473, G>C. VCF-style: chr12-51914473-G-C. GRCh37 (hg19) VCF-style: chr12-52308257-G-C.
Other names: c.660G>C, p.Leu220Phe (NM_001077401.2); short protein forms L220F.
Identifiers: ClinVar variation 1577974 (VCV001577974.11), dbSNP rs142906906, ClinGen allele CA6572965.

ClinVar aggregate classification (germline): Likely benign. Review status: criteria provided, multiple submitters, no conflicts (2 of 4 stars). 3 submissions from 3 submitters: Likely benign (3). Last evaluated 2026-08-12.

Conditions:
Telangiectasia, hereditary hemorrhagic, type 2 (HHT2). Also called: ACVRL1-Related Hereditary Hemorrhagic Telangiectasia; Telangiectasia, hereditary hemorrhagic, type II. Identifiers: Orphanet 774, MedGen C1838163, MONDO:0010880, OMIM 600376. Disease mechanism: loss of function.
ACVRL1-related disorder. Also called: ACVRL1-related condition; ACVRL1-related disorders.
Cardiovascular phenotype. Identifiers: MedGen CN230736.

Allele frequency attached by ClinVar (database versions not stated): gnomAD 0.00003; 1000 Genomes Project 0.00020; 1000 Genomes Project 30x 0.00031.
gnomAD v4.1: 114 of 1,614,174 alleles (0.0071%); highest among the groups gnomAD compares: South Asian, 0.12%; 1 homozygote.

Submissions (3):

PreventionGenetics, part of Exact Sciences
Classification: Likely benign for ACVRL1-related condition. Last evaluated: 2026-08-12. Review status: criteria provided, single submitter. Criteria: ACMG Guidelines, 2015. Collection method: clinical testing. Allele origin: germline.
Comment: This variant is classified as likely benign based on ACMG/AMP sequence variant interpretation guidelines (Richards et al. 2015 PMID: 25741868, with internal and published modifications).

Labcorp Genetics (formerly Invitae), Labcorp
Classification: Likely benign for Telangiectasia, hereditary hemorrhagic, type 2. Last evaluated: 2025-04-11. Review status: criteria provided, single submitter. Criteria: Invitae Variant Classification Sherloc (09022015). Collection method: clinical testing. Allele origin: germline.

Ambry Genetics
Classification: Likely benign for Cardiovascular phenotype. Last evaluated: 2018-12-29. Review status: criteria provided, single submitter. Criteria: Ambry Variant Classification Scheme 2023. Collection method: clinical testing. Allele origin: germline.